The following is an entry in ClinVar:

ClinVar aggregate classification (germline): Uncertain significance. Review status: criteria provided, multiple submitters, no conflicts (2 of 4 stars). 3 submissions from 3 submitters: Uncertain significance (3). Last evaluated 2016-12-19.

Conditions:
Dilated cardiomyopathy 1G (CMD1G). Identifiers: Orphanet 154, MedGen C1858763, MONDO:0011400, OMIM 604145.
Autosomal recessive limb-girdle muscular dystrophy type 2J (LGMDR10). Also called: Limb-girdle muscular dystrophy, type 2J; MUSCULAR DYSTROPHY, LIMB-GIRDLE, AUTOSOMAL RECESSIVE 10. Identifiers: Orphanet 140922, MedGen C1837342, MONDO:0012127, OMIM 608807.

Allele frequency attached by ClinVar (database versions not stated): gnomAD exomes below 0.00001; gnomAD 0.00001; TOPMed 0.00001.
gnomAD v4.1: 5 of 1,612,074 alleles (0.00031%); highest among the groups gnomAD compares: Non-Finnish European, 0.00042%; no homozygotes.

Submissions (3):

Labcorp Genetics (formerly Invitae), Labcorp
Classification: Uncertain significance for Dilated cardiomyopathy 1G; Autosomal recessive limb-girdle muscular dystrophy type 2J. Last evaluated: 2016-12-19. Review status: criteria provided, single submitter. Criteria: Invitae Variant Classification Sherloc (09022015). Collection method: clinical testing. Allele origin: germline.

Laboratory for Molecular Medicine, Mass General Brigham Personalized Medicine
Classification: Uncertain significance. Last evaluated: 2014-02-27. Review status: criteria provided, single submitter. Criteria: LMM Criteria. Collection method: clinical testing. Allele origin: germline. Observed: 1 variant allele.
Comment: The Val6930Met variant in TTN has not been previously reported in individuals wi th cardiomyopathy or in large population studies. Computational prediction tools and conservation analysis suggest that this variant may not impact the protein, though this information is not predictive enough to rule out pathogenicity. Add itional information is needed to fully assess the clinical significance of the V al6930Met variant.

GeneDx
Classification: Uncertain significance. Last evaluated: 2013-05-06. Review status: criteria provided, single submitter. Criteria: GeneDx Variant Classification (06012015). Collection method: clinical testing. Allele origin: germline. Affected: yes.
Comment: Missense variants in the TTN gene are considered 'unclassified' if they are not previously reported in the literature and do not have >1% frequency in the population to be considered a polymorphism. Research indicates that truncating mutations in the TTN gene are expected to account for approximately 25% of familial and 18% of sporadic idiopathic DCM; however, truncating variants in the TTN gene have been reported in approximately 3% of reported control alleles. There has been little investigation into non-truncating variants. (Herman D et al. Truncations of titin causing dilated cardiomyopathy. N Eng J Med 366:619-628, 2012) The variant is found in DCM panel(s).

NM_001267550.2(TTN):c.24520G>A (p.Val8174Met)

Gene: TTN (titin; minus strand). Cytogenetic location: 2q31.2.
Variant type: single nucleotide variant.
Coding change: c.24520G>A on transcript NM_001267550.2 (MANE Select); coding-DNA position 24520, G replaced by A.
Protein change: p.Val8174Met; replaces valine 8174 with methionine.
Molecular consequence: missense variant. On other transcripts: intron variant (3).
Genome position (GRCh38, 1-based): chr2:178,718,586, C>T on the plus strand (G>A on the coding strand, the complement: TTN is on the minus strand). VCF-style: chr2-178718586-C-T. GRCh37 (hg19) VCF-style: chr2-179583313-C-T.
Other names: p.V7857M:GTG>ATG; c.23569G>A, p.Val7857Met (NM_001256850.1); c.20788G>A, p.Val6930Met (NM_133378.4); c.13282+19496G>A (NM_003319.4); c.13858+19496G>A (NM_133437.4); c.13657+19496G>A (NM_133432.3); short protein forms V6930M, V8174M, V7857M.
Identifiers: ClinVar variation 179577 (VCV000179577.8), dbSNP rs727504961, ClinGen allele CA184697.
Genomic context (GRCh38, chr2:178,718,586, plus strand): 5'-ATGTGGCCTCGAGAACTATGGGGCTTCCTGTCTCAACACTGAAATCAGCCAATCTTTTCA[C>T]AAAGGTGGCTGGTTCTATAAGGAGAAAACATGTGGGTAAAATTCTTGCCTTCTAATGAAG-3'
Protein context (NP_001254479.2, residues 8164-8184): HLFVKEPATF[Val8174Met]KRLADFSVET